The following is an entry in ClinVar:

NM_207517.3(ADAMTSL3):c.4979C>T (p.Thr1660Ile)

Genes: ADAMTSL3 (ADAMTS like 3; plus strand), LOC132090352 (Neanderthal introgressed variant-containing enhancer experimental_41724; plus strand). Cytogenetic location: 15q25.2.
Variant type: single nucleotide variant.
Coding change: c.4979C>T on transcript NM_207517.3 (MANE Select); coding-DNA position 4979, C replaced by T.
Protein change: p.Thr1660Ile; replaces threonine 1660 with isoleucine.
Molecular consequence: missense variant. On other transcripts: intron variant (1).
Genome position (GRCh38, 1-based): chr15:84,037,709, C>T. VCF-style: chr15-84037709-C-T. GRCh37 (hg19) VCF-style: chr15-84706461-C-T.
Other names: c.4987-54C>T (NM_001301110.2); short protein forms T1660I.
Identifiers: ClinVar variation 1268691 (VCV001268691.2), dbSNP rs950169, ClinGen allele CA7706071.

ClinVar aggregate classification (germline): Benign. Review status: criteria provided, multiple submitters, no conflicts (2 of 4 stars). 2 submissions from 2 submitters: Benign (2). Last evaluated 2018-11-10.

Allele frequency attached by ClinVar (database versions not stated): 1000 Genomes Project 30x 0.12820; 1000 Genomes Project 0.12899; TOPMed 0.18298; gnomAD 0.19079 and 0.19177; ESP Exome Variant Server 0.19479; gnomAD exomes 0.22186; ExAC 0.22312.
gnomAD v4.1: 392,645 of 1,601,146 alleles (25%); highest among the groups gnomAD compares: Middle Eastern, 39%; 51,901 homozygotes.

Submissions (2):

GeneDx
Classification: Benign. Last evaluated: 2018-11-10. Review status: criteria provided, single submitter. Criteria: GeneDx Variant Classification Process June 2021. Collection method: clinical testing. Allele origin: germline. Affected: yes.
Comment: This variant is associated with the following publications: (PMID: 19197363, 21239144)

Breakthrough Genomics
Classification: Benign. Review status: criteria provided, single submitter. Criteria: ACMG Guidelines, 2015. Collection method: not provided. Allele origin: germline. Inheritance: Unknown mechanism. Affected: yes.